The following is an entry in ClinVar:

NM_000843.4(GRM6):c.493C>T (p.Arg165Cys)

Gene: GRM6 (glutamate metabotropic receptor 6; minus strand). Cytogenetic location: 5q35.3.
Variant type: single nucleotide variant.
Coding change: c.493C>T on transcript NM_000843.4 (MANE Select); coding-DNA position 493, C replaced by T.
Protein change: p.Arg165Cys; replaces arginine 165 with cysteine.
Molecular consequence: missense variant.
Genome position (GRCh38, 1-based): chr5:178,994,452, G>A on the plus strand (C>T on the coding strand, the complement: GRM6 is on the minus strand). VCF-style: chr5-178994452-G-A. GRCh37 (hg19) VCF-style: chr5-178421453-G-A.
Other names: c.493C>T (NM_000843.3); short protein forms R165C.
Identifiers: ClinVar variation 1021681 (VCV001021681.10), dbSNP rs879583129, ClinGen allele CA133032035.
Genomic context (GRCh38, chr5:178,994,452, plus strand): 5'-AGGACGGGAGAGGGACGCTGGACACCGAGCCCGGCCCCGCGGCCCTCACCGCAAACAGGC[G>A]CAGCACGTTGGCGACCATGATGGAGACGGAGCTGGCCGAGGCGCCCACGACGGCCACGAC-3'
Protein context (NP_000834.2, residues 155-175): SVSIMVANVL[Arg165Cys]LFAIPQISYA

ClinVar aggregate classification (germline): Uncertain significance. Review status: criteria provided, multiple submitters, no conflicts (2 of 4 stars). 3 submissions from 3 submitters: Uncertain significance (3). Last evaluated 2025-05-01.

Conditions:
Inborn genetic diseases. Identifiers: MedGen C0950123, MeSH D030342.
GRM6-related disorder. Also called: GRM6-related condition.

Allele frequency attached by ClinVar (database versions not stated): gnomAD 0.00001; TOPMed 0.00002.
gnomAD v4.1: 47 of 1,489,792 alleles (0.0032%); highest among the groups gnomAD compares: Non-Finnish European, 0.0038%; no homozygotes.

Submissions (3):

Ambry Genetics
Classification: Uncertain significance for Inborn genetic diseases. Last evaluated: 2025-05-01. Review status: criteria provided, single submitter. Criteria: Ambry Variant Classification Scheme 2023. Collection method: clinical testing. Allele origin: germline.

PreventionGenetics, part of Exact Sciences
Classification: Uncertain significance for GRM6-related condition. Last evaluated: 2025-02-28. Review status: criteria provided, single submitter. Criteria: ACMG Guidelines, 2015. Collection method: clinical testing. Allele origin: germline.
Comment: The GRM6 c.493C>T variant is predicted to result in the amino acid substitution p.Arg165Cys. To our knowledge, this variant has not been reported in the literature. This variant is reported in 0.0060% of alleles in individuals of European (Non-Finnish) descent in gnomAD. At this time, the clinical significance of this variant is uncertain due to the absence of conclusive functional and genetic evidence.

Labcorp Genetics (formerly Invitae), Labcorp
Classification: Uncertain significance. Last evaluated: 2023-11-13. Review status: criteria provided, single submitter. Criteria: Invitae Variant Classification Sherloc (09022015). Collection method: clinical testing. Allele origin: germline.
Comment: This sequence change replaces arginine, which is basic and polar, with cysteine, which is neutral and slightly polar, at codon 165 of the GRM6 protein (p.Arg165Cys). The frequency data for this variant in the population databases is considered unreliable, as metrics indicate poor data quality at this position in the gnomAD database. This variant has not been reported in the literature in individuals affected with GRM6-related conditions. ClinVar contains an entry for this variant (Variation ID: 1021681). Advanced modeling of protein sequence and biophysical properties (such as structural, functional, and spatial information, amino acid conservation, physicochemical variation, residue mobility, and thermodynamic stability) performed at Invitae indicates that this missense variant is expected to disrupt GRM6 protein function with a positive predictive value of 80%. In summary, the available evidence is currently insufficient to determine the role of this variant in disease. Therefore, it has been classified as a Variant of Uncertain Significance.